The following is an entry in ClinVar:

NM_012090.5(MACF1):c.59_76del (p.14CRSERS[1])

Gene: MACF1 (microtubule actin crosslinking factor 1; plus strand). Cytogenetic location: 1p34.3.
Variant type: Deletion.
Coding change: c.59_76del on transcript NM_012090.5; coding-DNA positions 59 to 76, 18 bases deleted (GTCGGAGTGAGCGATCTT).
Protein change: p.14CRSERS[1].
Molecular consequence: inframe deletion.
Genome position (GRCh38, 1-based): chr1:39,084,277-39,084,294, GTCGGAGTGAGCGATCTT deleted; deleting any 18 consecutive bases within chr1:39,084,273-39,084,294 gives the same sequence; the c. name uses the placement nearest the transcript's 3' end. VCF-style (leftmost placement, unchanged base first): chr1-39084272-GTCTTGTCGGAGTGAGCGA-G. GRCh37 (hg19) VCF-style: chr1-39549944-GTCTTGTCGGAGTGAGCGA-G.
Identifiers: ClinVar variation 2638687 (VCV002638687.22), dbSNP rs751392944, ClinGen allele CA779002.

ClinVar aggregate classification (germline): Uncertain significance (1 of 4 stars; one submission).

Submission:

CeGaT Center for Human Genetics Tuebingen
Classification: Uncertain significance. Last evaluated: 2023-05-01. Review status: criteria provided, single submitter. Criteria: CeGaT Center For Human Genetics Tuebingen Variant Classification Criteria Version 2. Collection method: clinical testing. Allele origin: germline. Affected: yes. Observed: 1 variant allele.
Comment: MACF1: PM4